The following is an entry in ClinVar:

ClinVar aggregate classification (germline): Uncertain significance. Review status: criteria provided, multiple submitters, no conflicts (2 of 4 stars). 2 submissions from 2 submitters: Uncertain significance (2). Last evaluated 2026-07-07.

Conditions:
Familial cancer of breast. Also called: hereditary breast carcinoma; BREAST CANCER, FAMILIAL; Hereditary breast cancer. Identifiers: Orphanet 227535, MedGen C0346153, MONDO:0016419, OMIM 114480. Disease mechanism: loss of function.
Hereditary cancer-predisposing syndrome. Also called: Neoplastic Syndromes, Hereditary; Hereditary Cancer Syndrome; Hereditary neoplastic syndrome; Tumor predisposition. Identifiers: Orphanet 140162, MedGen C0027672, MeSH D009386, MONDO:0015356.

gnomAD v4.1: 2 of 1,613,156 alleles (0.00012%); highest among the groups gnomAD compares: Non-Finnish European, 0.00017%; no homozygotes.

Submissions (2):

Ambry Genetics
Classification: Uncertain significance for Hereditary cancer-predisposing syndrome. Last evaluated: 2026-07-07. Review status: criteria provided, single submitter. Criteria: Ambry Variant Classification Scheme 2023. Collection method: clinical testing. Allele origin: germline.
Comment: The p.G110E variant (also known as c.329G>A), located in coding exon 4 of the PALB2 gene, results from a G to A substitution at nucleotide position 329. The glycine at codon 110 is replaced by glutamic acid, an amino acid with similar properties. This amino acid position is conserved. In addition, this alteration is predicted to be tolerated by in silico analysis. Based on the available evidence, the clinical significance of this variant remains unclear.

Labcorp Genetics (formerly Invitae), Labcorp
Classification: Uncertain significance for Familial cancer of breast. Last evaluated: 2021-08-24. Review status: criteria provided, single submitter. Criteria: Invitae Variant Classification Sherloc (09022015). Collection method: clinical testing. Allele origin: germline.
Comment: This sequence change replaces glycine with glutamic acid at codon 110 of the PALB2 protein (p.Gly110Glu). The glycine residue is weakly conserved and there is a moderate physicochemical difference between glycine and glutamic acid. This variant is not present in population databases (ExAC no frequency). This variant has not been reported in the literature in individuals affected with PALB2-related conditions. ClinVar contains an entry for this variant (Variation ID: 572069). Algorithms developed to predict the effect of missense changes on protein structure and function output the following: SIFT: "Tolerated"; PolyPhen-2: "Benign"; Align-GVGD: "Class C0". The glutamic acid amino acid residue is found in multiple mammalian species, which suggests that this missense change does not adversely affect protein function. In summary, the available evidence is currently insufficient to determine the role of this variant in disease. Therefore, it has been classified as a Variant of Uncertain Significance.

NM_024675.4(PALB2):c.329G>A (p.Gly110Glu)

Gene: PALB2 (partner and localizer of BRCA2; minus strand). Cytogenetic location: 16p12.2.
Variant type: single nucleotide variant.
Coding change: c.329G>A on transcript NM_024675.4 (MANE Select); coding-DNA position 329, G replaced by A.
Protein change: p.Gly110Glu; replaces glycine 110 with glutamic acid.
Molecular consequence: missense variant.
Genome position (GRCh38, 1-based): chr16:23,636,217, C>T on the plus strand (G>A on the coding strand, the complement: PALB2 is on the minus strand). VCF-style: chr16-23636217-C-T. GRCh37 (hg19) VCF-style: chr16-23647538-C-T.
Other names: short protein forms G110E.
Identifiers: ClinVar variation 572069 (VCV000572069.10), dbSNP rs1341395298, ClinGen allele CA395137818.